The following is an entry in ClinVar:

NM_005529.7(HSPG2):c.11988G>A (p.Gly3996=)

Gene: HSPG2 (heparan sulfate proteoglycan 2; minus strand). Cytogenetic location: 1p36.12.
Variant type: single nucleotide variant.
Coding change: c.11988G>A on transcript NM_005529.7 (MANE Select); coding-DNA position 11988, G replaced by A.
Protein change: p.Gly3996=; no amino-acid change (glycine 3996 retained).
Molecular consequence: synonymous variant.
Genome position (GRCh38, 1-based): chr1:21,829,387, C>T on the plus strand (G>A on the coding strand, the complement: HSPG2 is on the minus strand). VCF-style: chr1-21829387-C-T. GRCh37 (hg19) VCF-style: chr1-22155880-C-T.
Other names: c.11991G>A, p.Gly3997= (NM_001291860.2).
Identifiers: ClinVar variation 618685 (VCV000618685.19), dbSNP rs749833238, ClinGen allele CA669558.
Genomic context (GRCh38, chr1:21,829,387, plus strand): 5'-CGAGGGGGGCACAAGGCTTGGTGTGCAGAGCCCCGCATTTGGTGCTGGGTGCTTACCTGA[C>T]CCCAACTCATAGCGGAACTCCAGGTGGCCGCCCACCATCGCCAGGGACACGAAGTCCTCC-3'
Protein context (NP_005520.4, residues 3986-4006): GGHLEFRYEL[Gly3996=]SGLAVLRSAE

ClinVar aggregate classification (germline): Likely benign. Review status: criteria provided, multiple submitters, no conflicts (2 of 4 stars). 3 submissions from 3 submitters: Likely benign (2). 1 of the submissions does not count toward it. Last evaluated 2025-03-17.

Conditions:
HSPG2-related disorder. Also called: HSPG2-related condition; HSPG2-related disorders.

Allele frequency attached by ClinVar (database versions not stated): gnomAD 0.00001; TOPMed 0.00003.

Submissions (3):

Labcorp Genetics (formerly Invitae), Labcorp
Classification: Likely benign. Last evaluated: 2025-03-17. Review status: criteria provided, single submitter. Criteria: Invitae Variant Classification Sherloc (09022015). Collection method: clinical testing. Allele origin: germline.

ARUP Laboratories, Molecular Genetics and Genomics, ARUP Laboratories
Classification: Likely benign. Last evaluated: 2018-06-13. Review status: criteria provided, single submitter. Criteria: ARUP Molecular Germline Variant Investigation Process. Collection method: clinical testing. Allele origin: germline.
Comment: The HSPG2 c.11988G>A; p.Gly3996Gly variant (rs749833238), to our knowledge, is not reported in the medical literature or in gene-specific databases, but is observed in the Latino population at an overall frequency of 0.06% (19/33574 alleles) in the Genome Aggregation Database. This is a synonymous variant at a nucleotide that is not conserved, and computational algorithms (Alamut v.2.11) predict no impact on splicing. Based on available information, this variant is considered likely benign.

PreventionGenetics, part of Exact Sciences
Classification: Likely benign for HSPG2-related condition. Last evaluated: 2020-12-09. Review status: no assertion criteria provided. Collection method: clinical testing. Allele origin: germline. Not counted in ClinVar's aggregate classification.
Comment: This variant is classified as likely benign based on ACMG/AMP sequence variant interpretation guidelines (Richards et al. 2015 PMID: 25741868, with internal and published modifications).